The following is an entry in ClinVar:

ClinVar aggregate classification (germline): Conflicting classifications of pathogenicity. Review status: criteria provided, conflicting classifications (1 of 4 stars). 4 submissions from 4 submitters: Uncertain significance (2); Likely benign (1). 1 of the submissions does not count toward it. Last evaluated 2026-01-05.

Conditions:
Retinitis pigmentosa 73 (RP73). Identifiers: Orphanet 791, MedGen C4225287, MONDO:0014687, OMIM 616544.
Mucopolysaccharidosis, MPS-III-C (MPS3C). Also called: MUCOPOLYSACCHARIDOSIS, TYPE IIIC; SANFILIPPO SYNDROME C; Mucopolysaccharidosis type IIIC (Sanfilippo C); MPS IIIC (Sanfilippo Syndrome Type C); mucopolysaccharidosis type 3C; MPS III C. Identifiers: Orphanet 581, Orphanet 79271, MedGen C0086649, MONDO:0009657, OMIM 252930.
Retinal dystrophy. Also called: Inherited retinal dystrophy. Identifiers: Orphanet 71862, MedGen C0854723, MeSH D058499, MONDO:0019118, HP:0000556.

Allele frequency attached by ClinVar (database versions not stated): gnomAD 0.00003 and 0.00004; ESP Exome Variant Server 0.00008; TOPMed 0.00007; ExAC 0.00003; gnomAD exomes 0.00003.
gnomAD v4.1: 29 of 1,613,750 alleles (0.0018%); highest among the groups gnomAD compares: East Asian, 0.031%; no homozygotes.

Submissions (4):

Labcorp Genetics (formerly Invitae), Labcorp
Classification: Uncertain significance for Retinitis pigmentosa 73; Mucopolysaccharidosis, MPS-III-C. Last evaluated: 2026-01-05. Review status: criteria provided, single submitter. Criteria: Invitae Variant Classification Sherloc (09022015). Collection method: clinical testing. Allele origin: germline.
Comment: This sequence change replaces valine, which is neutral and non-polar, with isoleucine, which is neutral and non-polar, at codon 87 of the HGSNAT protein (p.Val87Ile). This variant is present in population databases (rs374287774, gnomAD 0.03%). This variant has not been reported in the literature in individuals affected with HGSNAT-related conditions. ClinVar contains an entry for this variant (Variation ID: 452146). Invitae Evidence Modeling of protein sequence and biophysical properties (such as structural, functional, and spatial information, amino acid conservation, physicochemical variation, residue mobility, and thermodynamic stability) indicates that this missense variant is not expected to disrupt HGSNAT protein function with a negative predictive value of 95%. In summary, the available evidence is currently insufficient to determine the role of this variant in disease. Therefore, it has been classified as a Variant of Uncertain Significance.

Dept Of Ophthalmology, Nagoya University
Classification: Likely benign for Retinal dystrophy. Last evaluated: 2023-10-01. Review status: criteria provided, single submitter. Criteria: Submitter's publication. Collection method: research. Allele origin: germline. Affected: yes.

GeneDx
Classification: Uncertain significance. Last evaluated: 2017-09-26. Review status: criteria provided, single submitter. Criteria: GeneDx Variant Classification (06012015). Collection method: clinical testing. Allele origin: germline. Affected: yes.
Comment: The V87I variant in the HGSNAT gene has not been reported previously as a pathogenic variant, nor as a benign variant, to our knowledge. The V87I variant is observed in 6/17248 (0.035%) alleles from individuals of East Asian background, in the ExAC dataset (Lek et al., 2016). The V87I variant is a conservative amino acid substitution, which is not likely to impact secondary protein structure as these residues share similar properties. This substitution occurs at a position where amino acids with similar properties to Valine are tolerated across species. In silico analysis predicts this variant likely does not alter the protein structure/function. We interpret V87I as a variant of uncertain significance.

Natera, Inc.
Classification: Uncertain significance for Mucopolysaccharidosis type IIIC. Last evaluated: 2019-10-28. Review status: no assertion criteria provided. Collection method: clinical testing. Allele origin: germline. Not counted in ClinVar's aggregate classification.

NM_152419.3(HGSNAT):c.259G>A (p.Val87Ile)

Gene: HGSNAT (heparan-alpha-glucosaminide N-acetyltransferase; plus strand). Cytogenetic location: 8p11.21.
Variant type: single nucleotide variant.
Coding change: c.259G>A on transcript NM_152419.3 (MANE Select); coding-DNA position 259, G replaced by A.
Protein change: p.Val87Ile; replaces valine 87 with isoleucine.
Molecular consequence: missense variant. On other transcripts: 5 prime UTR variant (1).
Genome position (GRCh38, 1-based): chr8:43,158,599, G>A. VCF-style: chr8-43158599-G-A. GRCh37 (hg19) VCF-style: chr8-43013742-G-A.
Other names: c.259G>A, p.Val87Ile (NM_001363227.2, NM_001363228.2); c.-575G>A (NM_001363229.2); short protein forms V87I.
Identifiers: ClinVar variation 452146 (VCV000452146.7), dbSNP rs374287774, ClinGen allele CA4736463.